The following is an entry in ClinVar:

ClinVar aggregate classification (germline): Benign (1 of 4 stars; one submission).

Allele frequency attached by ClinVar (database versions not stated): gnomAD exomes 0.00023 and 0.00071; ExAC 0.00092; 1000 Genomes Project 30x 0.00156; 1000 Genomes Project 0.00180; gnomAD 0.00254 and 0.00277; ESP Exome Variant Server 0.00277; TOPMed 0.00318.
gnomAD v4.1: 732 of 1,566,000 alleles (0.047%); highest among the groups gnomAD compares: African/African-American, 0.88%; 4 homozygotes.

Submission:

GeneDx
Classification: Benign. Last evaluated: 2017-06-22. Review status: criteria provided, single submitter. Criteria: GeneDx Variant Classification (06012015). Collection method: clinical testing. Allele origin: germline. Affected: yes.
Comment: This variant is considered likely benign or benign based on one or more of the following criteria: it is a conservative change, it occurs at a poorly conserved position in the protein, it is predicted to be benign by multiple in silico algorithms, and/or has population frequency not consistent with disease.

NM_000088.4(COL1A1):c.-41C>T

Gene: COL1A1 (collagen type I alpha 1 chain; minus strand). Cytogenetic location: 17q21.33.
Variant type: single nucleotide variant.
Coding change: c.-41C>T on transcript NM_000088.4 (MANE Select); 41 bases upstream of the start codon, C replaced by T.
Molecular consequence: 5 prime UTR variant.
Genome position (GRCh38, 1-based): chr17:50,201,554, G>A on the plus strand (C>T on the coding strand, the complement: COL1A1 is on the minus strand). VCF-style: chr17-50201554-G-A. GRCh37 (hg19) VCF-style: chr17-48278915-G-A.
Identifiers: ClinVar variation 509428 (VCV000509428.1), dbSNP rs200106397, ClinGen allele CA8645901.
Genomic context (GRCh38, chr17:50,201,554, plus strand): 5'-AGGTCCACAAAGCTGAACATGTCTAGACCCTAGACATGTAGACTCTTTGTGGCTGGGGAG[G>A]GGGTTAGCGTCCGCTCATGCGTGGCCTCACACTCCGCGTGCCTCCTGCTCCGACCCCGAG-3'